The following is an entry in ClinVar:

NM_005477.3(HCN4):c.881C>T (p.Pro294Leu)

Genes: HCN4 (hyperpolarization activated cyclic nucleotide gated potassium channel 4; minus strand), LOC105370890 (uncharacterized LOC105370890; plus strand), LOC126862173 (CDK7 strongly-dependent group 2 enhancer GRCh37_chr15:73635762-73636961; plus strand). Cytogenetic location: 15q24.1.
Variant type: single nucleotide variant.
Coding change: c.881C>T on transcript NM_005477.3 (MANE Select); coding-DNA position 881, C replaced by T.
Protein change: p.Pro294Leu; replaces proline 294 with leucine.
Molecular consequence: missense variant.
Genome position (GRCh38, 1-based): chr15:73,343,713, G>A on the plus strand (C>T on the coding strand, the complement: HCN4 is on the minus strand). VCF-style: chr15-73343713-G-A. GRCh37 (hg19) VCF-style: chr15-73636054-G-A.
Other names: short protein forms P294L.
Identifiers: ClinVar variation 2626616 (VCV002626616.4), dbSNP rs1216261955, ClinGen allele CA393095337.

ClinVar aggregate classification (germline): Uncertain significance. Review status: criteria provided, multiple submitters, no conflicts (2 of 4 stars). 2 submissions from 2 submitters: Uncertain significance (2). Last evaluated 2024-02-02.

Conditions:
Cardiovascular phenotype. Identifiers: MedGen CN230736.
Brugada syndrome 8 (BRGDA8). Identifiers: Orphanet 130, MedGen C2751083, MONDO:0013148, OMIM 613123.

Submissions (2):

Labcorp Genetics (formerly Invitae), Labcorp
Classification: Uncertain significance for Brugada syndrome 8. Last evaluated: 2024-02-02. Review status: criteria provided, single submitter. Criteria: Invitae Variant Classification Sherloc (09022015). Collection method: clinical testing. Allele origin: germline.
Comment: This sequence change replaces proline, which is neutral and non-polar, with leucine, which is neutral and non-polar, at codon 294 of the HCN4 protein (p.Pro294Leu). This variant is not present in population databases (gnomAD no frequency). This variant has not been reported in the literature in individuals affected with HCN4-related conditions. ClinVar contains an entry for this variant (Variation ID: 2626616). Advanced modeling of protein sequence and biophysical properties (such as structural, functional, and spatial information, amino acid conservation, physicochemical variation, residue mobility, and thermodynamic stability) performed at Invitae indicates that this missense variant is not expected to disrupt HCN4 protein function with a negative predictive value of 80%. In summary, the available evidence is currently insufficient to determine the role of this variant in disease. Therefore, it has been classified as a Variant of Uncertain Significance.

Ambry Genetics
Classification: Uncertain significance for Cardiovascular phenotype. Last evaluated: 2023-07-30. Review status: criteria provided, single submitter. Criteria: Ambry Variant Classification Scheme 2023. Collection method: clinical testing. Allele origin: germline.
Comment: The p.P294L variant (also known as c.881C>T), located in coding exon 2 of the HCN4 gene, results from a C to T substitution at nucleotide position 881. The proline at codon 294 is replaced by leucine, an amino acid with similar properties. This amino acid position is conserved. In addition, this alteration is predicted to be deleterious by in silico analysis. Since supporting evidence is limited at this time, the clinical significance of this alteration remains unclear.